The following is an entry in ClinVar:

ClinVar aggregate classification (germline): Likely benign (1 of 4 stars; one submission).

Submission:

CeGaT Center for Human Genetics Tuebingen
Classification: Likely benign. Last evaluated: 2026-07-01. Review status: criteria provided, single submitter. Criteria: CeGaT Center For Human Genetics Tuebingen Variant Classification Criteria Version 2. Collection method: clinical testing. Allele origin: germline. Affected: yes. Observed: 1 variant allele.
Comment: POTEJ: BP4, BP7

NM_001277083.2(POTEJ):c.2004C>T (p.Thr668=)

Gene: POTEJ (POTE ankyrin domain family member J; plus strand). Cytogenetic location: 2q21.1.
Variant type: single nucleotide variant.
Coding change: c.2004C>T on transcript NM_001277083.2 (MANE Select); coding-DNA position 2004, C replaced by T.
Protein change: p.Thr668=; no amino-acid change (threonine 668 retained).
Molecular consequence: synonymous variant.
Genome position (GRCh38, 1-based): chr2:130,656,764, C>T. VCF-style: chr2-130656764-C-T. GRCh37 (hg19) VCF-style: chr2-131414337-C-T.
Identifiers: ClinVar variation 5038913 (VCV005038913.1).